The following is an entry in ClinVar:

ClinVar aggregate classification (germline): Benign (1 of 4 stars; one submission).

Allele frequency attached by ClinVar (database versions not stated): gnomAD 0.09611 and 0.08983; 1000 Genomes Project 30x 0.09978; 1000 Genomes Project 0.09685; TOPMed 0.10199.
gnomAD v4.1: 13,450 of 151,340 alleles (8.9%); highest among the groups gnomAD compares: African/African-American, 30%; 1,956 homozygotes.

Submissions (2):

GeneDx
Classification: Benign. Last evaluated: 2018-06-19. Review status: criteria provided, single submitter. Criteria: GeneDx Variant Classification (06012015). Collection method: clinical testing. Allele origin: germline. Affected: yes.
Comment: This variant is considered likely benign or benign based on one or more of the following criteria: it is a conservative change, it occurs at a poorly conserved position in the protein, it is predicted to be benign by multiple in silico algorithms, and/or has population frequency not consistent with disease.

Dr. Peter K. Rogan Lab, Western University
No classification provided (evidence only). Condition: Uterine corpus endometrial carcinoma. Review status: no classification provided. Collection method: in vitro. Allele origin: not applicable. Functional consequence: retained intron. Not counted in ClinVar's aggregate classification.

NM_001127222.2(CACNA1A):c.293+277A>G

Gene: CACNA1A (calcium voltage-gated channel subunit alpha1 A; minus strand). Cytogenetic location: 19p13.13.
Variant type: single nucleotide variant.
Coding change: c.293+277A>G on transcript NM_001127222.2 (MANE Select); 277 bases into the intron after coding-DNA position 293, A replaced by G.
Molecular consequence: intron variant.
Genome position (GRCh38, 1-based): chr19:13,505,655, T>C on the plus strand (A>G on the coding strand, the complement: CACNA1A is on the minus strand). VCF-style: chr19-13505655-T-C. GRCh37 (hg19) VCF-style: chr19-13616469-T-C.
Other names: NC_000019.9:g.13616469T>C; c.293+277A>G (NM_001127221.2, NM_001174080.2, NM_000068.4 and 1 more transcripts).
Identifiers: ClinVar variation 668779 (VCV000668779.2), dbSNP rs112198999, ClinGen allele CA305562483.
Genomic context (GRCh38, chr19:13,505,655, plus strand): 5'-ACCCTCCGGACTTGGCTCGAAAGCCCCCACCAAGGCTCCTGCACGACCCCAGGCCCCAGA[T>C]CTCATTCTAGAGTCGGTCCTTGGGAAGGATCCACTCTCCGCTGCCCACCCCCCAGCCCCC-3'